The following is an entry in ClinVar:

NM_001029896.2(WDR45):c.436+2T>C

Gene: WDR45 (WD repeat domain 45; minus strand). Cytogenetic location: Xp11.23.
Variant type: single nucleotide variant.
Coding change: c.436+2T>C on transcript NM_001029896.2 (MANE Select); the canonical splice donor site of the intron after coding-DNA position 436, T replaced by C.
Molecular consequence: splice donor variant.
Genome position (GRCh38, 1-based): chrX:49,076,428, A>G on the plus strand (T>C on the coding strand, the complement: WDR45 is on the minus strand). VCF-style: chrX-49076428-A-G. GRCh37 (hg19) VCF-style: chrX-48934087-A-G.
Other names: c.439+2T>C (NM_007075.4).
Identifiers: ClinVar variation 1191932 (VCV001191932.2), dbSNP rs2147816209, ClinGen allele CA412945855.

ClinVar aggregate classification (germline): Pathogenic (1 of 4 stars; one submission).

Submission:

GeneDx
Classification: Pathogenic. Last evaluated: 2019-08-13. Review status: criteria provided, single submitter. Criteria: GeneDx Variant Classification Process June 2021. Collection method: clinical testing. Allele origin: germline. Affected: yes.
Comment: Canonical splice site variant in a gene for which loss-of-function is a known mechanism of disease; Has not been previously published as pathogenic or benign to our knowledge; Different splice variants at this nucleotide (c.439+2T>G) and splice donor site (c.439+1G>T) have been reported in the published literature in association with WDR45-related disorders; Not observed in large population cohorts (Lek et al., 2016)